The following is an entry in ClinVar:

ClinVar aggregate classification (germline): Likely benign (0 of 4 stars; one submission).

Conditions:
COL5A2-related disorder. Also called: COL5A2-related condition.

Submission:

PreventionGenetics, part of Exact Sciences
Classification: Likely benign for COL5A2-related condition. Last evaluated: 2023-02-23. Review status: no assertion criteria provided. Collection method: clinical testing. Allele origin: germline.
Comment: This variant is classified as likely benign based on ACMG/AMP sequence variant interpretation guidelines (Richards et al. 2015 PMID: 25741868, with internal and published modifications).

NM_000393.5(COL5A2):c.-5del

Gene: COL5A2 (collagen type V alpha 2 chain; minus strand). Cytogenetic location: 2q32.2.
Variant type: Deletion.
Coding change: c.-5del on transcript NM_000393.5 (MANE Select); 5 bases upstream of the start codon, one base deleted (T; older notation c.-5delT).
Molecular consequence: 5 prime UTR variant.
Genome position (GRCh38, 1-based): chr2:189,179,609, A deleted on the plus strand (T on the coding strand, the reverse complement: COL5A2 is on the minus strand); the first of 3 consecutive A bases (chr2:189,179,609-189,179,611); deleting any one gives the same sequence. VCF-style (leftmost placement, unchanged base first): chr2-189179608-TA-T. GRCh37 (hg19) VCF-style: chr2-190044334-TA-T.
Identifiers: ClinVar variation 3048315 (VCV003048315.2), dbSNP rs2469602037, ClinGen allele CA2740096393.
Genomic context (GRCh38, chr2:189,179,608, plus strand): 5'-CCCTAATAAAACAATAAGAATGAGGAGAGGTCTTGCTTCCGCCCAGTTTGCCATCATGTC[TA>T]AATATTAGACATGTGGGTTCTCCTGAGAGTGAAAAGTAGATTCTGAGGTTATTGTAGCAC-3'